The following is an entry in ClinVar:

ClinVar aggregate classification (germline): Uncertain significance. Review status: criteria provided, multiple submitters, no conflicts (2 of 4 stars). 2 submissions from 2 submitters: Uncertain significance (2). Last evaluated 2025-07-21.

Conditions:
Cardiovascular phenotype. Identifiers: MedGen CN230736.
Dilated cardiomyopathy 1JJ (CMD1JJ). Identifiers: Orphanet 154, MedGen C3808935, MONDO:0014095, OMIM 615235.

Allele frequency attached by ClinVar (database versions not stated): TOPMed 0.00001; gnomAD 0.00003; 1000 Genomes Project 30x 0.00016; 1000 Genomes Project 0.00020.
gnomAD v4.1: 42 of 1,612,138 alleles (0.0026%); highest among the groups gnomAD compares: East Asian, 0.045%; no homozygotes.

Submissions (2):

Ambry Genetics
Classification: Uncertain significance for Cardiovascular phenotype. Last evaluated: 2025-07-21. Review status: criteria provided, single submitter. Criteria: Ambry Variant Classification Scheme 2023. Collection method: clinical testing. Allele origin: germline.
Comment: The p.R23C variant (also known as c.67C>T), located in coding exon 1 of the LAMA4 gene, results from a C to T substitution at nucleotide position 67. The arginine at codon 23 is replaced by cysteine, an amino acid with highly dissimilar properties. This amino acid position is poorly conserved in available vertebrate species. In addition, this alteration is predicted to be tolerated by in silico analysis. Since supporting evidence is limited at this time, the clinical significance of this alteration remains unclear.

Labcorp Genetics (formerly Invitae), Labcorp
Classification: Uncertain significance for Dilated cardiomyopathy 1JJ. Last evaluated: 2023-06-16. Review status: criteria provided, single submitter. Criteria: Invitae Variant Classification Sherloc (09022015). Collection method: clinical testing. Allele origin: germline.
Comment: In summary, the available evidence is currently insufficient to determine the role of this variant in disease. Therefore, it has been classified as a Variant of Uncertain Significance. An algorithm developed to predict the effect of missense changes on protein structure and function (PolyPhen-2) suggests that this variant is likely to be tolerated. ClinVar contains an entry for this variant (Variation ID: 1755505). This variant has not been reported in the literature in individuals affected with LAMA4-related conditions. This variant is present in population databases (rs565010008, gnomAD 0.03%). This sequence change replaces arginine, which is basic and polar, with cysteine, which is neutral and slightly polar, at codon 23 of the LAMA4 protein (p.Arg23Cys).

NM_001105206.3(LAMA4):c.67C>T (p.Arg23Cys)

Genes: LAMA4-AS1 (LAMA4 antisense RNA 1; plus strand), LAMA4 (laminin subunit alpha 4; minus strand). Cytogenetic location: 6q21.
Variant type: single nucleotide variant.
Coding change: c.67C>T on transcript NM_001105206.3 (MANE Select); coding-DNA position 67, C replaced by T.
Protein change: p.Arg23Cys; replaces arginine 23 with cysteine.
Molecular consequence: missense variant.
Genome position (GRCh38, 1-based): chr6:112,254,084, G>A on the plus strand (C>T on the coding strand, the complement: LAMA4 is on the minus strand). VCF-style: chr6-112254084-G-A. GRCh37 (hg19) VCF-style: chr6-112575286-G-A.
Other names: c.67C>T, p.Arg23Cys (NM_001105207.3, NM_001105208.3, NM_001105209.3 and 1 more transcripts); short protein forms R23C.
Identifiers: ClinVar variation 1755505 (VCV001755505.6), dbSNP rs565010008, ClinGen allele CA3966346.
Genomic context (GRCh38, chr6:112,254,084, plus strand): 5'-CAACCGCTGAGCTCCCTTCAATGTCAAAAGGAAAAGCGTTGTCGTCCCCGGACGCGGCGC[G>A]GGAGCAGGCAGCGCTCCAGAGGAGCCACAGAGGCAGAACCGAGCGCCAGGCTGAGCTCAA-3'
Protein context (NP_001098676.2, residues 13-33): LWLLWSAACS[Arg23Cys]AASGDDNAFP